The following is an entry in ClinVar:

NM_000179.3(MSH6):c.315G>A (p.Trp105Ter)

Gene: MSH6 (mutS homolog 6; plus strand). Cytogenetic location: 2p16.3.
Variant type: single nucleotide variant.
Coding change: c.315G>A on transcript NM_000179.3 (MANE Select); coding-DNA position 315, G replaced by A.
Protein change: p.Trp105Ter; replaces tryptophan 105 with a stop codon.
Molecular consequence: nonsense. On other transcripts: 5 prime UTR variant (2), intron variant (1).
Genome position (GRCh38, 1-based): chr2:47,790,981, G>A. VCF-style: chr2-47790981-G-A. GRCh37 (hg19) VCF-style: chr2-48018120-G-A.
Other names: c.-422G>A (NM_001281493.2); c.-588G>A (NM_001281494.2); c.237+7511G>A (NM_001281492.2); short protein forms W105*.
Identifiers: ClinVar variation 479894 (VCV000479894.5), dbSNP rs1060502902, ClinGen allele CA346736853.

ClinVar aggregate classification (germline): Pathogenic (1 of 4 stars; one submission).

Conditions:
Hereditary cancer-predisposing syndrome. Also called: Hereditary Cancer Syndrome; Neoplastic Syndromes, Hereditary; Tumor predisposition; Hereditary neoplastic syndrome. Identifiers: Orphanet 140162, MedGen C0027672, MeSH D009386, MONDO:0015356.

Submission:

Ambry Genetics
Classification: Pathogenic for Hereditary cancer-predisposing syndrome. Last evaluated: 2017-11-21. Review status: criteria provided, single submitter. Criteria: Ambry Variant Classification Scheme 2023. Collection method: clinical testing. Allele origin: germline.
Comment: The p.W105* pathogenic mutation (also known as c.315G>A), located in coding exon 2 of the MSH6 gene, results from a G to A substitution at nucleotide position 315. This changes the amino acid from a tryptophan to a stop codon within coding exon 2. This alteration is expected to result in loss of function by premature protein truncation or nonsense-mediated mRNA decay. As such, this alteration is interpreted as a disease-causing mutation.